The following is an entry in ClinVar:

NM_001267550.2(TTN):c.79002G>A (p.Trp26334Ter)

Genes: TTN-AS1 (TTN antisense RNA 1; plus strand), TTN (titin; minus strand). Cytogenetic location: 2q31.2.
Variant type: single nucleotide variant.
Coding change: c.79002G>A on transcript NM_001267550.2 (MANE Select); coding-DNA position 79002, G replaced by A.
Protein change: p.Trp26334Ter; replaces tryptophan 26334 with a stop codon.
Molecular consequence: nonsense.
Genome position (GRCh38, 1-based): chr2:178,567,130, C>T on the plus strand (G>A on the coding strand, the complement: TTN is on the minus strand). VCF-style: chr2-178567130-C-T. GRCh37 (hg19) VCF-style: chr2-179431857-C-T.
Other names: c.74079G>A, p.Trp24693Ter (NM_001256850.1); c.51807G>A, p.Trp17269Ter (NM_003319.4); c.71298G>A, p.Trp23766Ter (NM_133378.4); c.52182G>A, p.Trp17394Ter (NM_133432.3); c.52383G>A, p.Trp17461Ter (NM_133437.4); short protein forms W17269*, W17461*, W17394*, W23766*, W24693*, W26334*.
Identifiers: ClinVar variation 4784612 (VCV004784612.1).
Genomic context (GRCh38, chr2:178,567,130, plus strand): 5'-ACCTTCTAAGAGTTTGGTAACTTTCAGAGAATTGGTCACAACTTCTGAAGCAACAACAGT[C>T]CAGGCAAGTCGACTGGTTTCTCGCTTTTCAACAACATAGTGAGAAATGTCACTGCCACCA-3'

ClinVar aggregate classification (germline): Likely pathogenic (1 of 4 stars; one submission).

Conditions:
Dilated cardiomyopathy 1G (CMD1G). Identifiers: Orphanet 154, MedGen C1858763, MONDO:0011400, OMIM 604145.
Autosomal recessive limb-girdle muscular dystrophy type 2J (LGMDR10). Also called: Limb-girdle muscular dystrophy, type 2J; MUSCULAR DYSTROPHY, LIMB-GIRDLE, AUTOSOMAL RECESSIVE 10. Identifiers: Orphanet 140922, MedGen C1837342, MONDO:0012127, OMIM 608807.

Submission:

Labcorp Genetics (formerly Invitae), Labcorp
Classification: Likely pathogenic for Dilated cardiomyopathy 1G; Autosomal recessive limb-girdle muscular dystrophy type 2J. Last evaluated: 2025-07-29. Review status: criteria provided, single submitter. Criteria: Invitae Variant Classification Sherloc (09022015). Collection method: clinical testing. Allele origin: germline.
Comment: This sequence change creates a premature translational stop signal (p.Trp26334*) in the TTN gene. While this is not anticipated to result in nonsense mediated decay, it is expected to create a truncated TTN protein. This variant is not present in population databases (gnomAD no frequency). This premature translational stop signal has been observed in individual(s) with clinical features of dilated cardiomyopathy (internal data). This variant is located in the A band of TTN (PMID: 25589632). Truncating variants in this region are significantly overrepresented in patients affected with dilated cardiomyopathy (PMID: 25589632). Truncating variants in this region have also been reported in individuals affected with autosomal recessive centronuclear myopathy (PMID: 23975875). In summary, the currently available evidence indicates that the variant is pathogenic, but additional data are needed to prove that conclusively. Therefore, this variant has been classified as Likely Pathogenic.

Literature cited by the submitters: PubMed 25589632; PubMed 23975875.